The following is an entry in ClinVar:

ClinVar aggregate classification (germline): Uncertain significance. Review status: criteria provided, multiple submitters, no conflicts (2 of 4 stars). 2 submissions from 2 submitters: Uncertain significance (2). Last evaluated 2024-05-08.

Allele frequency attached by ClinVar (database versions not stated): TOPMed below 0.00001.
gnomAD v4.1: 29 of 1,604,844 alleles (0.0018%); highest among the groups gnomAD compares: Admixed American, 0.0035%; no homozygotes.

Submissions (2):

Ambry Genetics
Classification: Uncertain significance. Last evaluated: 2024-05-08. Review status: criteria provided, single submitter. Criteria: Ambry Variant Classification Scheme 2023. Collection method: clinical testing. Allele origin: germline.

Labcorp Genetics (formerly Invitae), Labcorp
Classification: Uncertain significance. Last evaluated: 2022-05-06. Review status: criteria provided, single submitter. Criteria: Invitae Variant Classification Sherloc (09022015). Collection method: clinical testing. Allele origin: germline.
Comment: In summary, the available evidence is currently insufficient to determine the role of this variant in disease. Therefore, it has been classified as a Variant of Uncertain Significance. Algorithms developed to predict the effect of missense changes on protein structure and function are either unavailable or do not agree on the potential impact of this missense change (SIFT: "Deleterious"; PolyPhen-2: "Possibly Damaging"; Align-GVGD: "Class C0"). This variant has not been reported in the literature in individuals affected with ZDBF2-related conditions. The frequency data for this variant in the population databases is considered unreliable, as metrics indicate poor data quality at this position in the gnomAD database. This sequence change replaces proline, which is neutral and non-polar, with histidine, which is basic and polar, at codon 2294 of the ZDBF2 protein (p.Pro2294His).

NM_020923.3(ZDBF2):c.6881C>A (p.Pro2294His)

Gene: ZDBF2 (zinc finger DBF-type containing 2; plus strand). Cytogenetic location: 2q33.3.
Variant type: single nucleotide variant.
Coding change: c.6881C>A on transcript NM_020923.3 (MANE Select); coding-DNA position 6881, C replaced by A.
Protein change: p.Pro2294His; replaces proline 2294 with histidine.
Molecular consequence: missense variant.
Genome position (GRCh38, 1-based): chr2:206,311,409, C>A. VCF-style: chr2-206311409-C-A. GRCh37 (hg19) VCF-style: chr2-207176133-C-A.
Other names: c.6881C>A (NM_020923.1); c.6875C>A, p.Pro2292His (NM_001285549.2); c.6881C>A, p.Pro2294His (NM_001369654.1); short protein forms P2292H, P2294H.
Identifiers: ClinVar variation 1989886 (VCV001989886.5), dbSNP rs1207472379, ClinGen allele CA350080775.